The following is an entry in ClinVar:

ClinVar aggregate classification (germline): Pathogenic (1 of 4 stars; one submission).

Conditions:
Duchenne muscular dystrophy (DMD). Also called: MUSCULAR DYSTROPHY, PSEUDOHYPERTROPHIC PROGRESSIVE, DUCHENNE TYPE; Duchenne Muscular Dystrophy (DMD). Identifiers: Orphanet 98896, MedGen C0013264, MONDO:0010679, OMIM 310200.

Submission:

Labcorp Genetics (formerly Invitae), Labcorp
Classification: Pathogenic for Duchenne muscular dystrophy. Last evaluated: 2021-03-23. Review status: criteria provided, single submitter. Criteria: Invitae Variant Classification Sherloc (09022015). Collection method: clinical testing. Allele origin: germline.
Comment: This variant has not been reported in the literature in individuals with DMD-related conditions. For these reasons, this variant has been classified as Pathogenic. Loss-of-function variants in DMD are known to be pathogenic (PMID: 16770791, 25007885). This variant is an out-of-frame deletion of the genomic region encompassing exon(s) 22-39 of the DMD gene. This is expected to create a premature translational stop signal and result in an absent or disrupted protein product.

Literature cited by the submitters: PubMed 16770791; PubMed 25007885.

NC_000023.10:g.(?_32364040)_(32490446_?)del

Gene: DMD (dystrophin; minus strand). Cytogenetic location: Xp21.1.
Variant type: Deletion.
Identifiers: ClinVar variation 1071708 (VCV001071708.6).